The following is an entry in ClinVar:

NM_007294.4(BRCA1):c.3994G>T (p.Gly1332Ter)

Genes: BRCA1 (BRCA1 DNA repair associated; minus strand), LOC126862571 (BRD4-independent group 4 enhancer GRCh37_chr17:41243136-41244335; plus strand). Cytogenetic location: 17q21.31.
Variant type: single nucleotide variant.
Coding change: c.3994G>T on transcript NM_007294.4 (MANE Select); coding-DNA position 3994, G replaced by T.
Protein change: p.Gly1332Ter; replaces glycine 1332 with a stop codon.
Molecular consequence: nonsense. On other transcripts: intron variant (135).
Genome position (GRCh38, 1-based): chr17:43,091,537, C>A on the plus strand (G>T on the coding strand, the complement: BRCA1 is on the minus strand). VCF-style: chr17-43091537-C-A. GRCh37 (hg19) VCF-style: chr17-41243554-C-A.
Other names: c.3994G>T, p.Gly1332Ter (NM_001407596.1, NM_001407597.1, NM_001407598.1 and 30 more transcripts); c.3991G>T, p.Gly1331Ter (NM_001407610.1, NM_001407611.1, NM_001407612.1 and 22 more transcripts); c.3781G>T, p.Gly1261Ter (NM_001407571.1, NM_001407894.1, NM_001407895.1 and 9 more transcripts); c.3784G>T, p.Gly1262Ter (NM_001407900.1, NM_001407902.1, NM_001407904.1 and 13 more transcripts); c.3661G>T, p.Gly1221Ter (NM_001407946.1, NM_001407947.1, NM_001407948.1 and 6 more transcripts); c.3658G>T, p.Gly1220Ter (NM_001407954.1, NM_001407955.1, NM_001407956.1 and 1 more transcripts); c.3613G>T, p.Gly1205Ter (NM_001407959.1, NM_001407960.1, NM_001407963.1); c.3610G>T, p.Gly1204Ter (NM_001407962.1); and 41 more; short protein forms G1036*, G1164*, G1204*, G1205*, G1220*, G1221*, G1243*, G1244*.
Identifiers: ClinVar variation 4539187 (VCV004539187.1).

ClinVar aggregate classification (germline): Pathogenic (1 of 4 stars; one submission).

Submission:

Center for Genomic Medicine, Rigshospitalet, Copenhagen University Hospital
Classification: Pathogenic. Last evaluated: 2025-12-29. Review status: criteria provided, single submitter. Criteria: ACMG Guidelines, 2015. Collection method: clinical testing. Allele origin: germline.
Comment: Classification criteria: PVS1, PM5_strong, PM2_supporting